The following is an entry in ClinVar:

ClinVar aggregate classification (germline): Likely benign (1 of 4 stars; one submission).

Allele frequency attached by ClinVar (database versions not stated): gnomAD exomes 0.00001; TOPMed 0.00001.
gnomAD v4.1: 20 of 1,598,944 alleles (0.0013%); highest among the groups gnomAD compares: Middle Eastern, 0.052%; no homozygotes.

Submission:

CeGaT Center for Human Genetics Tuebingen
Classification: Likely benign. Last evaluated: 2022-07-01. Review status: criteria provided, single submitter. Criteria: CeGaT Center For Human Genetics Tuebingen Variant Classification Criteria Version 2. Collection method: clinical testing. Allele origin: germline. Affected: yes. Observed: 1 variant allele.
Comment: HERC2: BP4, BS2

NM_004667.6(HERC2):c.323-6T>C

Gene: HERC2 (HECT and RLD domain containing E3 ubiquitin protein ligase 2; minus strand). Cytogenetic location: 15q13.1.
Variant type: single nucleotide variant.
Coding change: c.323-6T>C on transcript NM_004667.6 (MANE Select); 6 bases into the intron before coding-DNA position 323, T replaced by C.
Molecular consequence: intron variant.
Genome position (GRCh38, 1-based): chr15:28,280,293, A>G on the plus strand (T>C on the coding strand, the complement: HERC2 is on the minus strand). VCF-style: chr15-28280293-A-G. GRCh37 (hg19) VCF-style: chr15-28525439-A-G.
Identifiers: ClinVar variation 2645088 (VCV002645088.24), dbSNP rs1431586571, ClinGen allele CA617087185.